The following is an entry in ClinVar:

ClinVar aggregate classification (germline): Benign/Likely benign. Review status: criteria provided, multiple submitters, no conflicts (2 of 4 stars). 7 submissions from 7 submitters: Benign (1); Likely benign (6). Last evaluated 2026-07-10.

Conditions:
SMARCA4-related disorder. Also called: SMARCA4-related condition.
Rhabdoid tumor predisposition syndrome 2 (RTPS2). Identifiers: Orphanet 231108, Orphanet 69077, MedGen C2750074, MONDO:0013224, OMIM 613325.
Hereditary cancer-predisposing syndrome. Also called: Hereditary Cancer Syndrome; Hereditary neoplastic syndrome; Neoplastic Syndromes, Hereditary; Tumor predisposition. Identifiers: Orphanet 140162, MedGen C0027672, MeSH D009386, MONDO:0015356.

Allele frequency attached by ClinVar (database versions not stated): TOPMed 0.00011; gnomAD 0.00007 and 0.00008; gnomAD exomes 0.00001.
gnomAD v4.1: 27 of 1,614,042 alleles (0.0017%); highest among the groups gnomAD compares: Admixed American, 0.017%; no homozygotes.

Submissions (7):

Myriad Genetics, Inc.
Classification: Benign for Rhabdoid tumor predisposition syndrome 2. Last evaluated: 2026-07-10. Review status: criteria provided, single submitter. Criteria: Myriad Autosomal Dominant, Autosomal Recessive and X-Linked Classification Criteria (2023). Collection method: clinical testing. Allele origin: unknown.
Comment: This variant is considered benign. This variant is a silent/synonymous amino acid change and it is not expected to impact splicing.

PreventionGenetics, part of Exact Sciences
Classification: Likely benign for SMARCA4-related condition. Last evaluated: 2026-03-14. Review status: criteria provided, single submitter. Criteria: ACMG Guidelines, 2015. Collection method: clinical testing. Allele origin: germline.
Comment: This variant is classified as likely benign based on ACMG/AMP sequence variant interpretation guidelines (Richards et al. 2015 PMID: 25741868, with internal and published modifications).

Labcorp Genetics (formerly Invitae), Labcorp
Classification: Likely benign for Rhabdoid tumor predisposition syndrome 2. Last evaluated: 2025-12-28. Review status: criteria provided, single submitter. Criteria: Invitae Variant Classification Sherloc (09022015). Collection method: clinical testing. Allele origin: germline.

Blueprint Genetics
Classification: Likely benign. Last evaluated: 2024-11-15. Review status: criteria provided, single submitter. Criteria: ACMG Guidelines, 2015. Collection method: clinical testing. Allele origin: germline.

Quest Diagnostics Nichols Institute San Juan Capistrano
Classification: Likely benign. Last evaluated: 2022-11-03. Review status: criteria provided, single submitter. Criteria: Quest Diagnostics criteria. Collection method: clinical testing. Allele origin: unknown.

Sema4
Classification: Likely benign for Hereditary cancer-predisposing syndrome. Last evaluated: 2021-11-08. Review status: criteria provided, single submitter. Criteria: Sema4 Curation Guidelines. Collection method: curation. Allele origin: germline.

Ambry Genetics
Classification: Likely benign for Hereditary cancer-predisposing syndrome. Last evaluated: 2015-09-19. Review status: criteria provided, single submitter. Criteria: Ambry Variant Classification Scheme 2023. Collection method: clinical testing. Allele origin: germline.

NM_003072.5(SMARCA4):c.1728C>T (p.Val576=)

Gene: SMARCA4 (SWI/SNF related BAF chromatin remodeling complex subunit ATPase 4; plus strand). Cytogenetic location: 19p13.2.
Variant type: single nucleotide variant.
Coding change: c.1728C>T on transcript NM_003072.5 (MANE Select); coding-DNA position 1728, C replaced by T.
Protein change: p.Val576=; no amino-acid change (valine 576 retained).
Molecular consequence: synonymous variant. On other transcripts: non-coding transcript variant (1).
Genome position (GRCh38, 1-based): chr19:10,996,347, C>T. VCF-style: chr19-10996347-C-T. GRCh37 (hg19) VCF-style: chr19-11107023-C-T.
Other names: c.1728C>T, p.Val576= (NM_001128844.3, NM_001128845.2, NM_001128846.2 and 5 more transcripts).
Identifiers: ClinVar variation 415143 (VCV000415143.21), dbSNP rs1060504461, ClinGen allele CA16616137.
Genomic context (GRCh38, chr19:10,996,347, plus strand): 5'-GACAGACGAGTACGTGGCTAACCTCACGGAGCTGGTGCGGCAGCACAAGGCTGCCCAGGT[C>T]GCCAAGGAGAAAAAGAAGAAAAAGAAAAAGAAGGTGTGCTGGGCCTGGCATGGTGCCCGC-3'
Protein context (NP_003063.2, residues 566-586): ELVRQHKAAQ[Val576=]AKEKKKKKKK